The following is an entry in ClinVar:

NM_000642.3(AGL):c.753_756del (p.Asp251fs)

Gene: AGL (amylo-alpha-1,6-glucosidase and 4-alpha-glucanotransferase; plus strand). Cytogenetic location: 1p21.2.
Variant type: Deletion.
Coding change: c.753_756del on transcript NM_000642.3 (MANE Select); coding-DNA positions 753 to 756, 4 bases deleted (CAGA; older notation c.753_756delCAGA).
Protein change: p.Asp251fs; shifts the reading frame from aspartic acid 251.
Molecular consequence: frameshift variant.
Genome position (GRCh38, 1-based): chr1:99,870,488-99,870,491, CAGA deleted; deleting any 4 consecutive bases within chr1:99,870,485-99,870,491 gives the same sequence; the c. name uses the placement nearest the transcript's 3' end. VCF-style (leftmost placement, unchanged base first): chr1-99870484-TAGAC-T. GRCh37 (hg19) VCF-style: chr1-100336040-TAGAC-T.
Other names: c.753_756del (NM_000642.2); c.750_753delAGAC (NM_000642.3); c.753_756delCAGA, p.Asp251Glufs (NM_000028.3, NM_000643.3, NM_000644.3 and 3 more transcripts); c.705_708delCAGA, p.Asp235Glufs (NM_000646.3); c.549_552delCAGA, p.Asp183Glufs (NM_001425328.1, NM_001425329.1); c.375_378delCAGA, p.Asp125Glufs (NM_001425332.1); short protein forms D235fs, D251fs.
Identifiers: ClinVar variation 370509 (VCV000370509.35), dbSNP rs748789700, ClinGen allele CA966256.

ClinVar aggregate classification (germline): Pathogenic. Review status: criteria provided, multiple submitters, no conflicts (2 of 4 stars). 16 submissions from 16 submitters: Pathogenic (14). 2 of the submissions do not count toward it. Last evaluated 2026-08-06.

Conditions:
AGL-related disorder. Also called: AGL-related condition.
Glycogen storage disease type III (GSD3). Also called: Cori disease; FORBES DISEASE. Identifiers: Orphanet 366, MedGen C0017922, MONDO:0009291, OMIM 232400.

Submissions (16):

OLLIN Analises Genomicas, OLLIN
Classification: Pathogenic for Glycogen storage disease type III. Last evaluated: 2026-08-06. Review status: criteria provided, single submitter. Criteria: ACMG Guidelines 2015 PMID 25741868. Collection method: clinical testing. Allele origin: germline.
Comment: This frameshift variant, located in exon 6 (of 34), has been reported in ClinVar (accession VCV000370509.32) and in gnomAD with an allele frequency of 0.0018%. However, to our knowledge, it has not been reported in the scientific literature. This variant causes a frameshift and introduces a premature stop codon, which is predicted to result in either a truncated protein or degradation of the mRNA via nonsense-mediated decay (NMD). According to the currently available evidence, this variant has been classified as pathogenic (PVS1, PM2_P, PM3_VS).

Genesolutions, Medical Genetics Institutes, Ho Chi Minh City, Vietnam
Classification: Pathogenic for Glycogen storage disease type III. Last evaluated: 2025-09-24. Review status: criteria provided, single submitter. Criteria: ACMG Guidelines, 2015. Collection method: clinical testing. Allele origin: germline. Affected: yes.

Natera, Inc.
Classification: Pathogenic for Glycogen storage disease type III. Last evaluated: 2025-09-24. Review status: criteria provided, single submitter. Criteria: Natera Variant Classification Schema (03/2026). Collection method: clinical testing. Allele origin: germline.
Comment: The c.753_756delCAGA variant in AGL is a frameshift variant predicted to shift the reading frame beginning at codon 251 and leads to a stop codon 23 codons downstream. This variant is expected to result in nonsense mediated decay, truncation, or a dysfunctional protein product. This variant is rare in the general population with a frequency below the threshold expected for the associated phenotype(s). This variant has been observed in one or more individuals affected with the associated recessive disease, as either homozygous or compound heterozygous with a second variant (PMID: 25451272). Additionally, this variant has been observed to segregate in affected family members (PMID: 25451272). Given the available evidence, this variant is classified as Pathogenic.

Labcorp Genetics (formerly Invitae), Labcorp
Classification: Pathogenic for Glycogen storage disease type III. Last evaluated: 2025-08-14. Review status: criteria provided, single submitter. Criteria: Invitae Variant Classification Sherloc (09022015). Collection method: clinical testing. Allele origin: germline.
Comment: This sequence change creates a premature translational stop signal (p.Asp251Glufs*23) in the AGL gene. It is expected to result in an absent or disrupted protein product. Loss-of-function variants in AGL are known to be pathogenic (PMID: 19299494). This variant is present in population databases (rs748789700, gnomAD 0.01%). This premature translational stop signal has been observed in individuals with glycogen storage disease type III with or without cardiomyopathy (PMID: 16189622, 16705713, 23430490, 25431232). ClinVar contains an entry for this variant (Variation ID: 370509). For these reasons, this variant has been classified as Pathogenic.

Baylor Genetics
Classification: Pathogenic for Glycogen storage disease type III. Last evaluated: 2024-03-26. Review status: criteria provided, single submitter. Criteria: ACMG Guidelines, 2015. Collection method: clinical testing. Allele origin: unknown.

Blueprint Genetics
Classification: Pathogenic for AGL-related disorders. Last evaluated: 2023-02-27. Review status: criteria provided, single submitter. Criteria: ACMG Guidelines, 2015. Collection method: clinical testing. Allele origin: germline. Affected: yes. Observed: 5 variant alleles.

3billion
Classification: Pathogenic for Glycogen storage disease type III. Last evaluated: 2022-03-22. Review status: criteria provided, single submitter. Criteria: ACMG Guidelines, 2015. Collection method: clinical testing. Allele origin: germline. Affected: yes. Observed: 1 homozygote.
Comment: Frameshift: predicted to result in a loss or disruption of normal protein function through nonsense-mediated decay (NMD) or protein truncation. Multiple pathogenic variants are reported downstream of the variant. The variant has been reported at least twice as pathogenic/likely pathogenic with clinical assertions and evidence for the classification (ClinVar ID: VCV000370509, PMID:16189622). The variant is observed at an extremely low frequency in the gnomAD v2.1.1 dataset (total allele frequency:0.0000357). Therefore, this variant is classified as pathogenic according to the recommendation of ACMG/AMP guideline.

Fulgent Genetics
Classification: Pathogenic for Glycogen storage disease type III. Last evaluated: 2021-12-05. Review status: criteria provided, single submitter. Criteria: ACMG Guidelines, 2015. Collection method: clinical testing. Allele origin: unknown.

Genome-Nilou Lab
Classification: Pathogenic for Glycogen storage disease type III. Last evaluated: 2021-07-15. Review status: criteria provided, single submitter. Criteria: ACMG Guidelines, 2015. Collection method: clinical testing. Allele origin: germline. Affected: no.

Revvity Omics, Revvity
Classification: Pathogenic for Glycogen storage disease type III. Last evaluated: 2019-12-21. Review status: criteria provided, single submitter. Criteria: ACMG Guidelines, 2015. Collection method: clinical testing. Allele origin: germline.

GeneDx
Classification: Pathogenic. Last evaluated: 2019-03-21. Review status: criteria provided, single submitter. Criteria: GeneDx Variant Classification (06012015). Collection method: clinical testing. Allele origin: germline. Affected: yes.
Comment: The c.753_756delCAGA variant (also reported as 750_753delAGA, due to alternate nomenclature) in the AGL gene has been reported previously in the homozygous state in individuals with glycogen storage disease type III (Endo et al., 2005; Sentner et al., 2012; Sentner et al., 2013). The c.753_756delCAGA variant causes a frameshift starting with codon Aspartic acid 251, changes this amino acid to a Glutamic acid residue, and creates a premature Stop codon at position 23 of the new reading frame, denoted p.Asp251GlufsX23. This variant is predicted to cause loss of normal protein function either through protein truncation or nonsense-mediated mRNA decay. The c.753_756delCAGA variant is not observed at a significant frequency in large population cohorts (Lek et al., 2016). We interpret c.753_756delCAGA as a pathogenic variant.

Women's Health and Genetics/Laboratory Corporation of America, LabCorp
Classification: Pathogenic for Glycogen storage disease type III. Last evaluated: 2018-08-09. Review status: criteria provided, single submitter. Criteria: LabCorp Variant Classification Summary - May 2015. Collection method: clinical testing. Allele origin: germline.
Comment: Variant summary: AGL c.753_756delCAGA (p.Asp251GlufsX23) results in a premature termination codon, predicted to cause a truncation of the encoded protein or absence of the protein due to nonsense mediated decay, which are commonly known mechanisms for disease. Truncations downstream of this position have been classified as pathogenic by our laboratory (eg. c.2039G>A, p.Trp680X; c.2929C>T, p.Arg977X, c.3216_3217delGA, p.Glu1072fsX36). The variant allele was found at a frequency of 2.9e-05 in 277370 control chromosomes (gnomAD and publications). The variant, c.753_756delCAGA, has been reported in the literature in multiple individuals affected with Glycogen Storage Disease Type III in both homozygous and compound heterozygous form (Sentner_2012, Okubo_2011, Endo_2005, Li_2014). These data indicate that the variant is very likely to be associated with disease. At least one publication reports experimental evidence evaluating an impact on protein function. The most pronounced variant effect results in <10% of normal activity (Sentner_2012, Li_2014). Two clinical diagnostic laboratories have submitted clinical-significance assessments for this variant to ClinVar after 2014 without evidence for independent evaluation and classified the variant as pathogenic. Based on the evidence outlined above, the variant was classified as pathogenic.

CENTOGENE GmbH and LLC - Guiding Precision Medicine
Classification: Pathogenic for Glycogen storage disease type III. Review status: criteria provided, single submitter. Criteria: ACMG Guidelines, 2015. Collection method: clinical testing. Allele origin: germline. Affected: yes.

Kariminejad - Najmabadi Pathology & Genetics Center
Classification: Pathogenic for Glycogen storage disease type III. Review status: criteria provided, single submitter. Criteria: ACMG Guidelines, 2015. Collection method: clinical testing. Allele origin: germline. Affected: no.

Centre for Human Genetics
Classification: Pathogenic for Glycogen storage disease type III. Last evaluated: 2021-08-10. Review status: no assertion criteria provided. Collection method: clinical testing. Allele origin: inherited. Inheritance: Autosomal recessive inheritance. Affected: yes. Observed: 1 variant allele. Not counted in ClinVar's aggregate classification.
Comment: disease causing

Counsyl
Classification: Pathogenic for Glycogen storage disease type III. Last evaluated: 2016-02-26. Review status: no assertion criteria provided. Collection method: clinical testing. Allele origin: unknown. Not counted in ClinVar's aggregate classification.

Literature cited by the submitters: PubMed 25451272 (cited by Natera, Inc. and Women's Health and Genetics/Laboratory Corporation of America, LabCorp); PubMed 19299494 (cited by Labcorp Genetics (formerly Invitae), Labcorp); PubMed 16189622 (cited by 4 submitters); PubMed 16705713 (cited by Labcorp Genetics (formerly Invitae), Labcorp and Counsyl); PubMed 23430490 (cited by 3 submitters); PubMed 25431232 (cited by Labcorp Genetics (formerly Invitae), Labcorp and Counsyl); PubMed 21321962 (cited by Women's Health and Genetics/Laboratory Corporation of America, LabCorp).